The following is an entry in ClinVar:

NM_002267.4(KPNA3):c.4G>A (p.Ala2Thr)

Gene: KPNA3 (karyopherin subunit alpha 3; minus strand). Cytogenetic location: 13q14.2.
Variant type: single nucleotide variant.
Coding change: c.4G>A on transcript NM_002267.4 (MANE Select); coding-DNA position 4, G replaced by A.
Protein change: p.Ala2Thr; replaces alanine 2 with threonine.
Molecular consequence: missense variant.
Genome position (GRCh38, 1-based): chr13:49,792,503, C>T on the plus strand (G>A on the coding strand, the complement: KPNA3 is on the minus strand). VCF-style: chr13-49792503-C-T. GRCh37 (hg19) VCF-style: chr13-50366639-C-T.
Other names: short protein forms A2T.
Identifiers: ClinVar variation 4686873 (VCV004686873.1).

ClinVar aggregate classification (germline): Uncertain significance (1 of 4 stars; one submission).

Submission:

GeneDx
Classification: Uncertain significance. Last evaluated: 2025-07-22. Review status: criteria provided, single submitter. Criteria: GeneDx Variant Classification Process June 2021. Collection method: clinical testing. Allele origin: germline. Affected: yes.
Comment: Not observed at significant frequency in large population cohorts (gnomAD); In silico analysis suggests that this missense variant does not alter protein structure/function; Has not been previously published as pathogenic or benign to our knowledge